The following is an entry in ClinVar:

NM_080680.3(COL11A2):c.5071-7C>G

Gene: COL11A2 (collagen type XI alpha 2 chain; minus strand). Cytogenetic location: 6p21.32.
Variant type: single nucleotide variant.
Coding change: c.5071-7C>G on transcript NM_080680.3 (MANE Select); 7 bases into the intron before coding-DNA position 5071, C replaced by G.
Molecular consequence: intron variant.
Genome position (GRCh38, 1-based): chr6:33,163,825, G>C on the plus strand (C>G on the coding strand, the complement: COL11A2 is on the minus strand). VCF-style: chr6-33163825-G-C. GRCh37 (hg19) VCF-style: chr6-33131602-G-C.
Other names: c.4750-7C>G (NM_080679.3); c.4813-7C>G (NM_080681.3).
Identifiers: ClinVar variation 262312 (VCV000262312.24), dbSNP rs200548977, ClinGen allele CA3749912.
Genomic context (GRCh38, chr6:33,163,825, plus strand): 5'-CAGCTGCTCCAGCACAGGCGTTCGCACCTCCAGCACCGTCCGGCCTTGCTGTGTCTTCAG[G>C]GGGAGACAAGGAAGAAAGTGTGAGCAGGATGGAGGCACCCCCCACCCTCTAACCTCAGGC-3'

ClinVar aggregate classification (germline): Conflicting classifications of pathogenicity. Review status: criteria provided, conflicting classifications (1 of 4 stars). 9 submissions from 7 submitters: Uncertain significance (5); Likely benign (1). 3 of the submissions do not count toward it. Last evaluated 2025-12-01.

Conditions:
COL11A2-related disorder. Also called: COL11A2-related condition; COL11A2-related disorders.
Fibrochondrogenesis 2 (FBCG2). Identifiers: Orphanet 2021, MedGen C3281128, MONDO:0013795, OMIM 614524.
Otospondylomegaepiphyseal dysplasia, autosomal dominant (OSMEDA). Also called: COL11A2-Related Stickler Syndrome; Stickler syndrome, type 3; Pierre Robin syndrome with fetal chondrodysplasia. Identifiers: Orphanet 166100, Orphanet 3450, MedGen C1848488, MONDO:0008490, OMIM 184840.
Otospondylomegaepiphyseal dysplasia, autosomal recessive (OSMEDB). Also called: CHONDRODYSTROPHY WITH SENSORINEURAL DEAFNESS; Insley-Astley syndrome. Identifiers: Orphanet 1427, MedGen CN034493, MONDO:0044206, OMIM 215150.

Allele frequency attached by ClinVar (database versions not stated): TOPMed 0.00006; gnomAD 0.00010; ESP Exome Variant Server 0.00047.
gnomAD v4.1: 315 of 1,612,790 alleles (0.02%); highest among the groups gnomAD compares: Non-Finnish European, 0.026%; no homozygotes.

Submissions (9):

Labcorp Genetics (formerly Invitae), Labcorp
Classification: Likely benign. Last evaluated: 2025-12-01. Review status: criteria provided, single submitter. Criteria: Invitae Variant Classification Sherloc (09022015). Collection method: clinical testing. Allele origin: germline.

Women's Health and Genetics/Laboratory Corporation of America, LabCorp
Classification: Uncertain significance. Last evaluated: 2025-03-21. Review status: criteria provided, single submitter. Criteria: LabCorp Variant Classification Summary - May 2015. Collection method: clinical testing. Allele origin: germline.
Comment: Variant summary: COL11A2 c.5071-7C>G alters a nucleotide located close to a canonical splice site and therefore could affect mRNA splicing, leading to a significantly altered protein sequence. Several computational tools predict a significant impact on normal splicing: One predict the variant abolishes a 3' acceptor site. Three predict the variant weakens a 3' acceptor site. However, these predictions have yet to be confirmed by functional studies. The variant allele was found at a frequency of 9e-05 in 244202 control chromosomes (gnomAD). This frequency is not significantly higher than estimated for a pathogenic variant in COL11A2 causing COL11A2-Related Disorders, allowing no conclusion about variant significance. To our knowledge, no occurrence of c.5071-7C>G in individuals affected with COL11A2-Related Disorders and no experimental evidence demonstrating its impact on protein function have been reported. ClinVar contains an entry for this variant (Variation ID: 262312). Based on the evidence outlined above, the variant was classified as uncertain significance.

GeneDx
Classification: Uncertain significance. Last evaluated: 2021-10-11. Review status: criteria provided, single submitter. Criteria: GeneDx Variant Classification Process June 2021. Collection method: clinical testing. Allele origin: germline. Affected: yes.
Comment: Has not been previously published as pathogenic or benign to our knowledge; In silico analysis supports a deleterious effect on splicing; In the absence of RNA/functional studies, the actual effect of this sequence change is unknown; Reported in ClinVar (ClinVar Variant ID# 262312; Landrum et al., 2016)

Illumina Laboratory Services, Illumina
Classification: Uncertain significance for Fibrochondrogenesis 2. Last evaluated: 2018-01-13. Review status: criteria provided, single submitter. Criteria: ICSL Variant Classification Criteria 13 December 2019. Collection method: clinical testing. Allele origin: germline.

Illumina Laboratory Services, Illumina
Classification: Uncertain significance for Otospondylomegaepiphyseal dysplasia, autosomal recessive. Last evaluated: 2018-01-13. Review status: criteria provided, single submitter. Criteria: ICSL Variant Classification Criteria 13 December 2019. Collection method: clinical testing. Allele origin: germline.

Illumina Laboratory Services, Illumina
Classification: Uncertain significance for Otospondylomegaepiphyseal dysplasia, autosomal dominant. Last evaluated: 2018-01-13. Review status: criteria provided, single submitter. Criteria: ICSL Variant Classification Criteria 13 December 2019. Collection method: clinical testing. Allele origin: germline.

PreventionGenetics, part of Exact Sciences
Classification: Likely benign for COL11A2-related condition. Last evaluated: 2024-08-28. Review status: no assertion criteria provided. Collection method: clinical testing. Allele origin: germline. Not counted in ClinVar's aggregate classification.
Comment: This variant is classified as likely benign based on ACMG/AMP sequence variant interpretation guidelines (Richards et al. 2015 PMID: 25741868, with internal and published modifications).

Clinical Genetics DNA and cytogenetics Diagnostics Lab, Erasmus MC, Erasmus Medical Center
Classification: Likely benign. Review status: no assertion criteria provided. Collection method: clinical testing. Allele origin: germline. Affected: yes. Study: VKGL Data-share Consensus. Not counted in ClinVar's aggregate classification.

Joint Genome Diagnostic Labs from Nijmegen and Maastricht, Radboudumc and MUMC+
Classification: Likely benign. Review status: no assertion criteria provided. Collection method: clinical testing. Allele origin: germline. Affected: yes. Study: VKGL Data-share Consensus. Not counted in ClinVar's aggregate classification.